The following is an entry in ClinVar:

NM_007215.4(POLG2):c.291C>T (p.Pro97=)

Genes: MILR1 (mast cell immunoglobulin like receptor 1; plus strand), POLG2 (DNA polymerase gamma 2, accessory subunit; minus strand). Cytogenetic location: 17q23.3.
Variant type: single nucleotide variant.
Coding change: c.291C>T on transcript NM_007215.4 (MANE Select); coding-DNA position 291, C replaced by T.
Protein change: p.Pro97=; no amino-acid change (proline 97 retained).
Molecular consequence: synonymous variant.
Genome position (GRCh38, 1-based): chr17:64,496,678, G>A on the plus strand (C>T on the coding strand, the complement: POLG2 is on the minus strand). VCF-style: chr17-64496678-G-A. GRCh37 (hg19) VCF-style: chr17-62492796-G-A.
Identifiers: ClinVar variation 5041158 (VCV005041158.1).
Genomic context (GRCh38, chr17:64,496,678, plus strand): 5'-CGAGGTCCACCATTCTGCGGCCAGGTTCTTCCGCAACTCTACGCCCAAGGGTCCGAAGCC[G>A]GGGTGGCACCCACTCAGAAGAGAATCCCGGCTAAGCTGCTGCTTGCTTCCACTTAGGAAA-3'
Protein context (NP_009146.2, residues 87-107): SRDSLLSGCH[Pro97=]GFGPLGVELR

ClinVar aggregate classification (germline): Likely benign (1 of 4 stars; one submission).

gnomAD v4.1: 6 of 1,613,990 alleles (0.00037%); highest among the groups gnomAD compares: Non-Finnish European, 0.00051%; no homozygotes.

Submission:

CeGaT Center for Human Genetics Tuebingen
Classification: Likely benign. Last evaluated: 2026-09-01. Review status: criteria provided, single submitter. Criteria: CeGaT Center For Human Genetics Tuebingen Variant Classification Criteria Version 2. Collection method: clinical testing. Allele origin: germline. Affected: yes. Observed: 1 variant allele.
Comment: POLG2: BP4, BP7